The following is an entry in ClinVar:

ClinVar aggregate classification (germline): Likely benign. Review status: criteria provided, multiple submitters, no conflicts (2 of 4 stars). 2 submissions from 2 submitters: Likely benign (2). Last evaluated 2025-12-18.

Conditions:
Hereditary spastic paraplegia 8 (SPG8). Also called: SPASTIC PARAPLEGIA 8, AUTOSOMAL DOMINANT. Identifiers: Orphanet 100989, MedGen C1863704, MONDO:0011339, OMIM 603563.
Ritscher-Schinzel syndrome. Also called: CRANIOCEREBELLOCARDIAC DYSPLASIA. Identifiers: Orphanet 7, MedGen C0796137, MONDO:0019078.

Allele frequency attached by ClinVar (database versions not stated): ExAC 0.00002; gnomAD exomes 0.00003 and 0.00006; gnomAD 0.00013 and 0.00012; 1000 Genomes Project 30x 0.00031; TOPMed 0.00012; 1000 Genomes Project 0.00020.
gnomAD v4.1: 67 of 1,548,282 alleles (0.0043%); highest among the groups gnomAD compares: African/African-American, 0.026%; 1 homozygote.

Submissions (2):

Labcorp Genetics (formerly Invitae), Labcorp
Classification: Likely benign for Ritscher-Schinzel syndrome; Hereditary spastic paraplegia 8. Last evaluated: 2025-12-18. Review status: criteria provided, single submitter. Criteria: Invitae Variant Classification Sherloc (09022015). Collection method: clinical testing. Allele origin: germline.

Illumina Laboratory Services, Illumina
Classification: Likely benign for Hereditary spastic paraplegia 8. Last evaluated: 2018-01-13. Review status: criteria provided, single submitter. Criteria: ICSL Variant Classification Criteria 13 December 2019. Collection method: clinical testing. Allele origin: germline.
Comment: This variant was observed in the ICSL laboratory as part of a predisposition screen in an ostensibly healthy population. It had not been previously curated by ICSL or reported in the Human Gene Mutation Database (HGMD: prior to June 1st, 2018), and was therefore a candidate for classification through an automated scoring system. Utilizing variant allele frequency, disease prevalence and penetrance estimates, and inheritance mode, an automated score was calculated to assess if this variant is too frequent to cause the disease. Based on the score and internal cut-off values, a variant classified as likely benign is not then subjected to further curation. The score for this variant resulted in a classification of likely benign for this disease.

NM_014846.4(WASHC5):c.405A>G (p.Gly135=)

Gene: WASHC5 (WASH complex subunit 5; minus strand). Cytogenetic location: 8q24.13.
Variant type: single nucleotide variant.
Coding change: c.405A>G on transcript NM_014846.4 (MANE Select); coding-DNA position 405, A replaced by G.
Protein change: p.Gly135=; no amino-acid change (glycine 135 retained).
Molecular consequence: synonymous variant. On other transcripts: 5 prime UTR variant (1).
Genome position (GRCh38, 1-based): chr8:125,082,395, T>C on the plus strand (A>G on the coding strand, the complement: WASHC5 is on the minus strand). VCF-style: chr8-125082395-T-C. GRCh37 (hg19) VCF-style: chr8-126094637-T-C.
Other names: c.-40A>G (NM_001330609.2).
Identifiers: ClinVar variation 361733 (VCV000361733.13), dbSNP rs529518868, ClinGen allele CA4874139.
Genomic context (GRCh38, chr8:125,082,395, plus strand): 5'-TATGTTTGATATTCTTGAATTTCATTTTAAATAATCATTATTACTTACTAGAAGTTGTTT[T>C]CCATCTTCATTGAGAAGCACAGTTTCTAAGGTTTGCTGAATATAAACCCCTTCATTGAGA-3'
Protein context (NP_055661.3, residues 125-145): TLETVLLNED[Gly135=]KQLLCEALYL